The following is an entry in ClinVar:

ClinVar aggregate classification (germline): Uncertain significance. Review status: criteria provided, multiple submitters, no conflicts (2 of 4 stars). 2 submissions from 2 submitters: Uncertain significance (2). Last evaluated 2025-04-10.

Conditions:
Familial thoracic aortic aneurysm and aortic dissection (TAAD). Also called: Thoracic aortic aneurysms and dissections. Identifiers: Orphanet 91387, MedGen C4707243, MONDO:0019625.
Loeys-Dietz syndrome 4 (LDS4). Also called: ANEURYSM, AORTIC AND CEREBRAL, WITH ARTERIAL TORTUOSITY AND SKELETAL MANIFESTATIONS; TGFB2-Related Loeys-Dietz Syndrome. Identifiers: MedGen C3553762, MONDO:0013897, OMIM 614816.

Allele frequency attached by ClinVar (database versions not stated): gnomAD 0.00001; gnomAD exomes 0.00001; TOPMed 0.00001.
gnomAD v4.1: 9 of 1,613,880 alleles (0.00056%); highest among the groups gnomAD compares: Admixed American, 0.0017%; no homozygotes.

Submissions (2):

Ambry Genetics
Classification: Uncertain significance for Familial thoracic aortic aneurysm and aortic dissection. Last evaluated: 2025-04-10. Review status: criteria provided, single submitter. Criteria: Ambry Variant Classification Scheme 2023. Collection method: clinical testing. Allele origin: germline.
Comment: The p.T270S variant (also known as c.809C>G), located in coding exon 5 of the TGFB2 gene, results from a C to G substitution at nucleotide position 809. The threonine at codon 270 is replaced by serine, an amino acid with similar properties. This amino acid position is conserved. In addition, this alteration is predicted to be tolerated by in silico analysis. Based on the available evidence, the clinical significance of this variant remains unclear.

Labcorp Genetics (formerly Invitae), Labcorp
Classification: Uncertain significance for Loeys-Dietz syndrome 4. Last evaluated: 2024-12-02. Review status: criteria provided, single submitter. Criteria: Invitae Variant Classification Sherloc (09022015). Collection method: clinical testing. Allele origin: germline.
Comment: This sequence change replaces threonine, which is neutral and polar, with serine, which is neutral and polar, at codon 270 of the TGFB2 protein (p.Thr270Ser). This variant is present in population databases (no rsID available, gnomAD 0.0009%). This variant has not been reported in the literature in individuals affected with TGFB2-related conditions. ClinVar contains an entry for this variant (Variation ID: 2144988). Invitae Evidence Modeling of protein sequence and biophysical properties (such as structural, functional, and spatial information, amino acid conservation, physicochemical variation, residue mobility, and thermodynamic stability) indicates that this missense variant is not expected to disrupt TGFB2 protein function with a negative predictive value of 95%. In summary, the available evidence is currently insufficient to determine the role of this variant in disease. Therefore, it has been classified as a Variant of Uncertain Significance.

NM_003238.6(TGFB2):c.809C>G (p.Thr270Ser)

Gene: TGFB2 (transforming growth factor beta 2; plus strand). Cytogenetic location: 1q41.
Variant type: single nucleotide variant.
Coding change: c.809C>G on transcript NM_003238.6 (MANE Select); coding-DNA position 809, C replaced by G.
Protein change: p.Thr270Ser; replaces threonine 270 with serine.
Molecular consequence: missense variant.
Genome position (GRCh38, 1-based): chr1:218,436,024, C>G. VCF-style: chr1-218436024-C-G. GRCh37 (hg19) VCF-style: chr1-218609366-C-G.
Other names: c.893C>G, p.Thr298Ser (NM_001135599.4); c.809C>G (NM_003238.3); short protein forms T298S, T270S.
Identifiers: ClinVar variation 2144988 (VCV002144988.6), dbSNP rs947761185, ClinGen allele CA37620928.